The following is an entry in ClinVar:

ClinVar aggregate classification (germline): Uncertain significance (1 of 4 stars; one submission).

Conditions:
Arthrogryposis. Identifiers: MedGen C0003886, MONDO:0008779.

Submission:

Clinical Genetics Laboratory, Skane University Hospital Lund
Classification: Uncertain significance for Arthrogryposis. Last evaluated: 2026-07-16. Review status: criteria provided, single submitter. Criteria: ACMG Guidelines, 2015. Collection method: clinical testing. Allele origin: germline. Inheritance: Autosomal recessive inheritance. Affected: yes.
Comment: ACMG criteria used: PM2, PM3_Supporting.

NM_139284.3(LGI4):c.1028C>G (p.Thr343Arg)

Gene: LGI4 (leucine rich repeat LGI family member 4; minus strand). Cytogenetic location: 19q13.12.
Variant type: single nucleotide variant.
Coding change: c.1028C>G on transcript NM_139284.3 (MANE Select); coding-DNA position 1028, C replaced by G.
Protein change: p.Thr343Arg; replaces threonine 343 with arginine.
Molecular consequence: missense variant.
Genome position (GRCh38, 1-based): chr19:35,126,541, G>C on the plus strand (C>G on the coding strand, the complement: LGI4 is on the minus strand). VCF-style: chr19-35126541-G-C. GRCh37 (hg19) VCF-style: chr19-35617445-G-C.
Other names: short protein forms T343R.
Identifiers: ClinVar variation 4890896 (VCV004890896.1).
Genomic context (GRCh38, chr19:35,126,541, plus strand): 5'-CGGTGCCAGGCGTGCAGGCTCTGGTGCGGGTAAAAGCCGGGCCCGTCGCGGCACAGCAGC[G>C]TGGTGCTGCCCGCCTTGGAGGCATCGGCCACCACGAAGCAGGGTTGCCCTTCCAGCCACA-3'
Protein context (NP_644813.1, residues 333-353): VADASKAGST[Thr343Arg]LLCRDGPGFY